The following is an entry in ClinVar:

NM_001349338.3(FOXP1):c.1567T>C (p.Phe523Leu)

Gene: FOXP1 (forkhead box P1; minus strand). Cytogenetic location: 3p13.
Variant type: single nucleotide variant.
Coding change: c.1567T>C on transcript NM_001349338.3 (MANE Select); coding-DNA position 1567, T replaced by C.
Protein change: p.Phe523Leu; replaces phenylalanine 523 with leucine.
Molecular consequence: missense variant. On other transcripts: non-coding transcript variant (2), intron variant (1).
Genome position (GRCh38, 1-based): chr3:70,972,640, A>G on the plus strand (T>C on the coding strand, the complement: FOXP1 is on the minus strand). VCF-style: chr3-70972640-A-G. GRCh37 (hg19) VCF-style: chr3-71021791-A-G.
Other names: c.1564T>C, p.Phe522Leu (NM_001244808.3, NM_001349341.3); c.1339T>C, p.Phe447Leu (NM_001244812.3); c.1267T>C, p.Phe423Leu (NM_001244813.3, NM_001244815.2, NM_001349342.3); c.1567T>C, p.Phe523Leu (NM_001244814.3, NM_001244816.2, NM_001349340.3 and 1 more transcripts); c.1264T>C, p.Phe422Leu (NM_001349337.2, NM_001349343.3, NM_001349344.3 and 1 more transcripts); c.1531-460T>C (NM_001244810.2); short protein forms F422L, F423L, F447L, F522L, F523L.
Identifiers: ClinVar variation 3366978 (VCV003366978.1).
Genomic context (GRCh38, chr3:70,972,640, plus strand): 5'-TTTGGAATTCTACTTCATCCACTGTCCATACTGCCCCTTTAACGTTTTCTACTCGCACAA[A>G]ACACTTGTGAAGACTAAGATTATGACGCACTGCATTCTGCAGCAAGTATAAAAGAGAGAA-3'
Protein context (NP_001336267.1, residues 513-533): VRHNLSLHKC[Phe523Leu]VRVENVKGAV

ClinVar aggregate classification (germline): Likely pathogenic (1 of 4 stars; one submission).

Conditions:
Intellectual disability-severe speech delay-mild dysmorphism syndrome (IDDLA). Also called: Intellectual developmental disorder with language impairment AND with or without autistic features; FOXP1 Syndrome; Mental retardation with language impairment and autistic features. Identifiers: Orphanet 391372, MedGen C4013764, MONDO:0013352, OMIM 613670.

Submission:

Institute of Immunology and Genetics Kaiserslautern
Classification: Likely pathogenic for Intellectual disability-severe speech delay-mild dysmorphism syndrome. Last evaluated: 2022-07-26. Review status: criteria provided, single submitter. Criteria: ACMG Guidelines, 2015. Collection method: clinical testing. Allele origin: de novo. Affected: yes.
Comment: ACMG Criteria: PS2, PM2, PM5, PP3; Variant was found in heterozygous state. De novo-status was confirmed via in-house segregation analysis.